The following is an entry in ClinVar:

NM_001136193.2(FASTKD2):c.1458G>T (p.Leu486=)

Gene: FASTKD2 (FASTK mitochondrial RNA regulator 2; plus strand). Cytogenetic location: 2q33.3.
Variant type: single nucleotide variant.
Coding change: c.1458G>T on transcript NM_001136193.2 (MANE Select); coding-DNA position 1458, G replaced by T.
Protein change: p.Leu486=; no amino-acid change (leucine 486 retained).
Molecular consequence: synonymous variant.
Genome position (GRCh38, 1-based): chr2:206,786,763, G>T. VCF-style: chr2-206786763-G-T. GRCh37 (hg19) VCF-style: chr2-207651487-G-T.
Other names: c.1458G>T, p.Leu486= (NM_001136194.2, NM_014929.4).
Identifiers: ClinVar variation 3772094 (VCV003772094.13).

ClinVar aggregate classification (germline): Likely benign (1 of 4 stars; one submission).

Submission:

CeGaT Center for Human Genetics Tuebingen
Classification: Likely benign. Last evaluated: 2024-12-01. Review status: criteria provided, single submitter. Criteria: CeGaT Center For Human Genetics Tuebingen Variant Classification Criteria Version 2. Collection method: clinical testing. Allele origin: germline. Affected: yes. Observed: 1 variant allele.
Comment: FASTKD2: BP4, BP7